The following is an entry in ClinVar:

ClinVar aggregate classification (germline): Uncertain significance. Review status: criteria provided, multiple submitters, no conflicts (2 of 4 stars). 2 submissions from 2 submitters: Uncertain significance (2). Last evaluated 2025-01-11.

Conditions:
Cardiovascular phenotype. Identifiers: MedGen CN230736.
Long QT syndrome (LQTS). Identifiers: MedGen C0023976, MeSH D008133, MONDO:0002442. Disease mechanism: loss of function. Inheritance: Various modes of inheritance.

Submissions (2):

Ambry Genetics
Classification: Uncertain significance for Cardiovascular phenotype. Last evaluated: 2025-01-11. Review status: criteria provided, single submitter. Criteria: Ambry Variant Classification Scheme 2023. Collection method: clinical testing. Allele origin: germline.
Comment: The p.Q2125P variant (also known as c.6374A>C), located in coding exon 38 of the ANK2 gene, results from an A to C substitution at nucleotide position 6374. The glutamine at codon 2125 is replaced by proline, an amino acid with similar properties. This amino acid position is conserved. In addition, the in silico prediction for this alteration is inconclusive. Based on the available evidence, the clinical significance of this variant remains unclear.

Labcorp Genetics (formerly Invitae), Labcorp
Classification: Uncertain significance for Long QT syndrome. Last evaluated: 2019-01-26. Review status: criteria provided, single submitter. Criteria: Invitae Variant Classification Sherloc (09022015). Collection method: clinical testing. Allele origin: germline.
Comment: This variant has not been reported in the literature in individuals with ANK2-related conditions. This sequence change replaces glutamine with proline at codon 2125 of the ANK2 protein (p.Gln2125Pro). The glutamine residue is moderately conserved and there is a moderate physicochemical difference between glutamine and proline. This variant is not present in population databases (ExAC no frequency). Algorithms developed to predict the effect of missense changes on protein structure and function are either unavailable or do not agree on the potential impact of this missense change (SIFT: "Tolerated"; PolyPhen-2: "Probably Damaging"; Align-GVGD: "Class C0"). In summary, the available evidence is currently insufficient to determine the role of this variant in disease. Therefore, it has been classified as a Variant of Uncertain Significance.

NM_001148.6(ANK2):c.6374A>C (p.Gln2125Pro)

Gene: ANK2 (ankyrin 2; plus strand). Cytogenetic location: 4q26.
Variant type: single nucleotide variant.
Coding change: c.6374A>C on transcript NM_001148.6 (MANE Select); coding-DNA position 6374, A replaced by C.
Protein change: p.Gln2125Pro; replaces glutamine 2125 with proline.
Molecular consequence: missense variant. On other transcripts: intron variant (68).
Genome position (GRCh38, 1-based): chr4:113,354,992, A>C. VCF-style: chr4-113354992-A-C. GRCh37 (hg19) VCF-style: chr4-114276148-A-C.
Other names: c.6140A>C, p.Gln2047Pro (NM_001386142.1); c.2774A>C, p.Gln925Pro (NM_001386166.1); c.6515A>C, p.Gln2172Pro (NM_001386174.1); c.6491A>C, p.Gln2164Pro (NM_001386175.1); c.4411+4743A>C (NM_001386186.2, NM_001386148.2); c.4213+4743A>C (NM_001354269.3); c.4291+4743A>C (NM_001386187.2); c.4252+4743A>C (NM_001386147.1); and 35 more; short protein forms Q2125P, Q2047P, Q2164P, Q2172P, Q925P.
Identifiers: ClinVar variation 862486 (VCV000862486.7), dbSNP rs780418271, ClinGen allele CA357923368.
Genomic context (GRCh38, chr4:113,354,992, plus strand): 5'-ACAGAGAGAGCGAAGTGCCCAAAGAAAAGATGGCTGATGAGCAGGGAGACATGGATCTAC[A>C]GATCAGCCCAGATAGGAAAACCTCCACTGACTTCTCTGAGGTCATTAAGCAAGAGTTGGA-3'
Protein context (NP_001139.3, residues 2115-2135): MADEQGDMDL[Gln2125Pro]ISPDRKTSTD